The following is an entry in ClinVar:

NM_000439.5(PCSK1):c.1501A>C (p.Ile501Leu)

Genes: PCSK1 (proprotein convertase subtilisin/kexin type 1; minus strand), CAST (calpastatin; plus strand), LOC101929710 (uncharacterized LOC101929710; plus strand). Cytogenetic location: 5q15.
Variant type: single nucleotide variant.
Coding change: c.1501A>C on transcript NM_000439.5 (MANE Select); coding-DNA position 1501, A replaced by C.
Protein change: p.Ile501Leu; replaces isoleucine 501 with leucine.
Molecular consequence: missense variant. On other transcripts: intron variant (11).
Genome position (GRCh38, 1-based): chr5:96,398,966, T>G on the plus strand (A>C on the coding strand, the complement: PCSK1 is on the minus strand). VCF-style: chr5-96398966-T-G. GRCh37 (hg19) VCF-style: chr5-95734670-T-G.
Other names: c.1360A>C, p.Ile454Leu (NM_001177875.2); c.-175+19314T>G (NM_001423254.1, NM_001423259.1, NM_001423255.1 and 6 more transcripts); c.-103+19314T>G (NM_001423253.1); c.-40+19314T>G (NM_001423258.1); short protein forms I454L, I501L.
Identifiers: ClinVar variation 3045861 (VCV003045861.4), dbSNP rs2531454870, ClinGen allele CA360479034.

ClinVar aggregate classification (germline): Uncertain significance. Review status: criteria provided, multiple submitters, no conflicts (2 of 4 stars). 2 submissions from 2 submitters: Uncertain significance (2). Last evaluated 2025-03-03.

Conditions:
PCSK1-related disorder. Also called: PCSK1-related condition.
Inborn genetic diseases. Identifiers: MedGen C0950123, MeSH D030342.

gnomAD v4.1: 10 of 1,611,856 alleles (0.00062%); highest among the groups gnomAD compares: Non-Finnish European, 0.00076%; no homozygotes.

Submissions (2):

PreventionGenetics, part of Exact Sciences
Classification: Uncertain significance for PCSK1-related condition. Last evaluated: 2025-03-03. Review status: criteria provided, single submitter. Criteria: ACMG Guidelines, 2015. Collection method: clinical testing. Allele origin: germline.
Comment: The PCSK1 c.1501A>C variant is predicted to result in the amino acid substitution p.Ile501Leu. To our knowledge, this variant has not been reported in the literature or in a large population database (gnomAD), indicating this variant is rare. At this time, the clinical significance of this variant is uncertain due to the absence of conclusive functional and genetic evidence.

Ambry Genetics
Classification: Uncertain significance for Inborn genetic diseases. Last evaluated: 2024-01-08. Review status: criteria provided, single submitter. Criteria: Ambry Variant Classification Scheme 2023. Collection method: clinical testing. Allele origin: germline.